The following is an entry in ClinVar:

NM_002294.3(LAMP2):c.31G>A (p.Gly11Ser)

Gene: LAMP2 (lysosomal associated membrane protein 2; minus strand). Cytogenetic location: Xq24.
Variant type: single nucleotide variant.
Coding change: c.31G>A on transcript NM_002294.3 (MANE Select); coding-DNA position 31, G replaced by A.
Protein change: p.Gly11Ser; replaces glycine 11 with serine.
Molecular consequence: missense variant.
Genome position (GRCh38, 1-based): chrX:120,469,139, C>T on the plus strand (G>A on the coding strand, the complement: LAMP2 is on the minus strand). VCF-style: chrX-120469139-C-T. GRCh37 (hg19) VCF-style: chrX-119602994-C-T.
Other names: c.31G>A, p.Gly11Ser (NM_001122606.1, NM_013995.2); short protein forms G11S.
Identifiers: ClinVar variation 3384743 (VCV003384743.1).

ClinVar aggregate classification (germline): Uncertain significance (1 of 4 stars; one submission).

Submission:

Women's Health and Genetics/Laboratory Corporation of America, LabCorp
Classification: Uncertain significance. Last evaluated: 2024-10-11. Review status: criteria provided, single submitter. Criteria: LabCorp Variant Classification Summary - May 2015. Collection method: clinical testing. Allele origin: germline.
Comment: Variant summary: LAMP2 c.31G>A (p.Gly11Ser) results in a non-conservative amino acid change in the encoded protein sequence. Three of five in-silico tools predict a benign effect of the variant on protein function. The variant was absent in 182379 control chromosomes. The available data on variant occurrences in the general population are insufficient to allow any conclusion about variant significance. To our knowledge, no occurrence of c.31G>A in individuals affected with Danon disease and no experimental evidence demonstrating its impact on protein function have been reported. No submitters have cited clinical-significance assessments for this variant to ClinVar. Based on the evidence outlined above, the variant was classified as uncertain significance.